The following is an entry in ClinVar:

ClinVar aggregate classification (germline): Benign/Likely benign. Review status: criteria provided, multiple submitters, no conflicts (2 of 4 stars). 5 submissions from 5 submitters: Benign (2); Likely benign (3). Last evaluated 2025-07-21.

Conditions:
Occult macular dystrophy (OCMD). Also called: OCCULT MACULAR DYSTROPHY, SUSCEPTIBILITY TO; OMD. Identifiers: Orphanet 247834, MedGen C3150833, MONDO:0013316, OMIM 613587, HP:0030636.
Retinal dystrophy. Also called: Inherited retinal dystrophy. Identifiers: Orphanet 71862, MedGen C0854723, MeSH D058499, MONDO:0019118, HP:0000556.
RP1L1-related disorder. Also called: RP1L1-related condition.

Allele frequency attached by ClinVar (database versions not stated): gnomAD exomes 0.00003 and 0.00019; gnomAD 0.00006 and 0.00007; TOPMed 0.00013; ExAC 0.00021; 1000 Genomes Project 30x 0.00031; 1000 Genomes Project 0.00040.
gnomAD v4.1: 54 of 1,614,176 alleles (0.0033%); highest among the groups gnomAD compares: East Asian, 0.11%; no homozygotes.

Submissions (5):

Labcorp Genetics (formerly Invitae), Labcorp
Classification: Benign. Last evaluated: 2025-07-21. Review status: criteria provided, single submitter. Criteria: Invitae Variant Classification Sherloc (09022015). Collection method: clinical testing. Allele origin: germline.

PreventionGenetics, part of Exact Sciences
Classification: Likely benign for RP1L1-related condition. Last evaluated: 2025-07-18. Review status: criteria provided, single submitter. Criteria: ACMG Guidelines, 2015. Collection method: clinical testing. Allele origin: germline.
Comment: This variant is classified as likely benign based on ACMG/AMP sequence variant interpretation guidelines (Richards et al. 2015 PMID: 25741868, with internal and published modifications).

Blueprint Genetics
Classification: Likely benign. Last evaluated: 2024-11-15. Review status: criteria provided, single submitter. Criteria: ACMG Guidelines, 2015. Collection method: clinical testing. Allele origin: germline.

Dept Of Ophthalmology, Nagoya University
Classification: Likely benign for Retinal dystrophy. Last evaluated: 2023-10-01. Review status: criteria provided, single submitter. Criteria: Submitter's publication. Collection method: research. Allele origin: germline. Affected: yes.

Illumina Laboratory Services, Illumina
Classification: Benign for Occult macular dystrophy. Last evaluated: 2018-01-13. Review status: criteria provided, single submitter. Criteria: ICSL Variant Classification Criteria 13 December 2019. Collection method: clinical testing. Allele origin: germline.
Comment: This variant was observed in the ICSL laboratory as part of a predisposition screen in an ostensibly healthy population. It had not been previously curated by ICSL or reported in the Human Gene Mutation Database (HGMD: prior to June 1st, 2018), and was therefore a candidate for classification through an automated scoring system. Utilizing variant allele frequency, disease prevalence and penetrance estimates, and inheritance mode, an automated score was calculated to assess if this variant is too frequent to cause the disease. Based on the score and internal cut-off values, a variant classified as benign is not then subjected to further curation. The score for this variant resulted in a classification of benign for this disease.

NM_178857.6(RP1L1):c.670G>A (p.Ala224Thr)

Gene: RP1L1 (RP1 like 1). Cytogenetic location: 8p23.1.
Variant type: single nucleotide variant.
Coding change: c.670G>A on transcript NM_178857.6 (MANE Select); coding-DNA position 670, G replaced by A.
Protein change: p.Ala224Thr; replaces alanine 224 with threonine.
Molecular consequence: missense variant.
Genome position (GRCh38, 1-based): chr8:10,616,527, C>T on the plus strand (G>A on the coding strand, the complement: RP1L1 is on the minus strand). VCF-style: chr8-10616527-C-T. GRCh37 (hg19) VCF-style: chr8-10474037-C-T.
Other names: short protein forms A224T.
Identifiers: ClinVar variation 361398 (VCV000361398.15), dbSNP rs117547822, ClinGen allele CA4625510.